The following is an entry in ClinVar:

ClinVar aggregate classification (germline): Uncertain significance. Review status: criteria provided, multiple submitters, no conflicts (2 of 4 stars). 3 submissions from 3 submitters: Uncertain significance (3). Last evaluated 2025-06-30.

Conditions:
RYR1-related disorder. Also called: RYR1-related disorders; RYR1-related condition. Identifiers: MedGen CN239331.
Malignant hyperthermia, susceptibility to, 1 (MHS1). Also called: Malignant hyperthermia suceptibility 1; Anesthesia related hyperthermia; Malignant hyperpyrexia; Fulminating hyperpyrexia; Pharmacogenic myopathy; RYR1-Related Malignant Hyperthermia Susceptibility. Identifiers: Orphanet 423, MedGen C2930980, MONDO:0007783, OMIM 145600.

Allele frequency attached by ClinVar (database versions not stated): gnomAD exomes below 0.00001; gnomAD 0.00001; TOPMed 0.00001.
gnomAD v4.1: 8 of 1,613,904 alleles (0.0005%); highest among the groups gnomAD compares: Non-Finnish European, 0.00068%; no homozygotes.

Submissions (3):

Color Diagnostics, LLC DBA Color Health
Classification: Uncertain significance for Malignant hyperthermia, susceptibility to, 1. Last evaluated: 2025-06-30. Review status: criteria provided, single submitter. Criteria: ACMG Guidelines, 2015. Collection method: clinical testing. Allele origin: germline.
Comment: This missense variant replaces asparagine with serine at codon 4755 of the RYR1 protein. Computational prediction suggests that this variant may not impact protein structure and function. To our knowledge, functional studies have not been reported for this variant. This variant has not been reported in individuals affected with RYR1-related disorders in the literature. This variant has been identified in 5/282598 chromosomes in the general population by the Genome Aggregation Database (gnomAD). The available evidence is insufficient to determine the role of this variant in disease conclusively. Therefore, this variant is classified as a Variant of Uncertain Significance.

Revvity Omics, Revvity
Classification: Uncertain significance. Last evaluated: 2022-09-20. Review status: criteria provided, single submitter. Criteria: ACMG Guidelines, 2015. Collection method: clinical testing. Allele origin: germline.

Labcorp Genetics (formerly Invitae), Labcorp
Classification: Uncertain significance for RYR1-related disorder. Last evaluated: 2022-09-14. Review status: criteria provided, single submitter. Criteria: Invitae Variant Classification Sherloc (09022015). Collection method: clinical testing. Allele origin: germline.
Comment: This sequence change replaces asparagine, which is neutral and polar, with serine, which is neutral and polar, at codon 4755 of the RYR1 protein (p.Asn4755Ser). This variant is present in population databases (no rsID available, gnomAD 0.004%). This variant has not been reported in the literature in individuals affected with RYR1-related conditions. Advanced modeling of protein sequence and biophysical properties (such as structural, functional, and spatial information, amino acid conservation, physicochemical variation, residue mobility, and thermodynamic stability) performed at Invitae indicates that this missense variant is not expected to disrupt RYR1 protein function. Algorithms developed to predict the effect of sequence changes on RNA splicing suggest that this variant may create or strengthen a splice site. In summary, the available evidence is currently insufficient to determine the role of this variant in disease. Therefore, it has been classified as a Variant of Uncertain Significance.

NM_000540.3(RYR1):c.14264A>G (p.Asn4755Ser)

Gene: RYR1 (ryanodine receptor 1; plus strand). Cytogenetic location: 19q13.2.
Variant type: single nucleotide variant.
Coding change: c.14264A>G on transcript NM_000540.3 (MANE Select); coding-DNA position 14264, A replaced by G.
Protein change: p.Asn4755Ser; replaces asparagine 4755 with serine.
Molecular consequence: missense variant.
Genome position (GRCh38, 1-based): chr19:38,578,009, A>G. VCF-style: chr19-38578009-A-G. GRCh37 (hg19) VCF-style: chr19-39068649-A-G.
Other names: c.14249A>G, p.Asn4750Ser (NM_001042723.2); short protein forms N4750S, N4755S.
Identifiers: ClinVar variation 2159243 (VCV002159243.5), dbSNP rs1403351558, ClinGen allele CA405684699.